The following is an entry in ClinVar:

NM_031220.4(PITPNM3):c.2735C>T (p.Ala912Val)

Gene: PITPNM3 (PITPNM family member 3; minus strand). Cytogenetic location: 17p13.2.
Variant type: single nucleotide variant.
Coding change: c.2735C>T on transcript NM_031220.4 (MANE Select); coding-DNA position 2735, C replaced by T.
Protein change: p.Ala912Val; replaces alanine 912 with valine.
Molecular consequence: missense variant.
Genome position (GRCh38, 1-based): chr17:6,455,528, G>A on the plus strand (C>T on the coding strand, the complement: PITPNM3 is on the minus strand). VCF-style: chr17-6455528-G-A. GRCh37 (hg19) VCF-style: chr17-6358848-G-A.
Other names: c.2627C>T, p.Ala876Val (NM_001165966.2); short protein forms A912V, A876V.
Identifiers: ClinVar variation 1474906 (VCV001474906.8), dbSNP rs570165186, ClinGen allele CA8329030.

ClinVar aggregate classification (germline): Uncertain significance (1 of 4 stars; one submission).

Allele frequency attached by ClinVar (database versions not stated): ExAC 0.00002; gnomAD 0.00002; gnomAD exomes 0.00002; TOPMed 0.00002; 1000 Genomes Project 30x 0.00016; 1000 Genomes Project 0.00020.
gnomAD v4.1: 18 of 1,605,158 alleles (0.0011%); highest among the groups gnomAD compares: East Asian, 0.034%; no homozygotes.

Submission:

Labcorp Genetics (formerly Invitae), Labcorp
Classification: Uncertain significance. Last evaluated: 2020-10-14. Review status: criteria provided, single submitter. Criteria: Invitae Variant Classification Sherloc (09022015). Collection method: clinical testing. Allele origin: germline.
Comment: This sequence change replaces alanine with valine at codon 912 of the PITPNM3 protein (p.Ala912Val). The alanine residue is moderately conserved and there is a small physicochemical difference between alanine and valine. This variant is present in population databases (rs570165186, ExAC 0.02%). This variant has not been reported in the literature in individuals with PITPNM3-related conditions. Algorithms developed to predict the effect of missense changes on protein structure and function are either unavailable or do not agree on the potential impact of this missense change (SIFT: "Deleterious"; PolyPhen-2: "Benign"; Align-GVGD: "Class C0"). In summary, the available evidence is currently insufficient to determine the role of this variant in disease. Therefore, it has been classified as a Variant of Uncertain Significance.